The following is an entry in ClinVar:

NM_017636.4(TRPM4):c.2211-5C>T

Gene: TRPM4 (transient receptor potential cation channel subfamily M member 4; plus strand). Cytogenetic location: 19q13.33.
Variant type: single nucleotide variant.
Coding change: c.2211-5C>T on transcript NM_017636.4 (MANE Select); 5 bases into the intron before coding-DNA position 2211, C replaced by T.
Molecular consequence: intron variant.
Genome position (GRCh38, 1-based): chr19:49,196,435, C>T. VCF-style: chr19-49196435-C-T. GRCh37 (hg19) VCF-style: chr19-49699692-C-T.
Other names: c.2211-3865C>T (NM_001195227.2); c.603-5C>T (NM_001321282.2); c.1866-5C>T (NM_001321281.2); c.1689-5C>T (NM_001321283.2); c.1149-5C>T (NM_001321285.2).
Identifiers: ClinVar variation 1787769 (VCV001787769.2), dbSNP rs749307006, ClinGen allele CA309454804.

ClinVar aggregate classification (germline): Uncertain significance (1 of 4 stars; one submission).

Conditions:
Cardiovascular phenotype. Identifiers: MedGen CN230736.

gnomAD v4.1: 2 of 1,536,020 alleles (0.00013%); highest among the groups gnomAD compares: Non-Finnish European, 0.00017%; no homozygotes.

Submission:

Ambry Genetics
Classification: Uncertain significance for Cardiovascular phenotype. Last evaluated: 2022-06-06. Review status: criteria provided, single submitter. Criteria: Ambry Variant Classification Scheme 2023. Collection method: clinical testing. Allele origin: germline.
Comment: The c.2211-5C>T intronic variant results from a C to T substitution 5 nucleotides upstream from coding exon 17 in the TRPM4 gene. This nucleotide position is not well conserved in available vertebrate species. In silico splice site analysis predicts that this alteration will not have any significant effect on splicing. Since supporting evidence is limited at this time, the clinical significance of this alteration remains unclear.